The following is an entry in ClinVar:

NM_001035.3(RYR2):c.11115C>T (p.Asp3705=)

Gene: RYR2 (ryanodine receptor 2; plus strand). Cytogenetic location: 1q43.
Variant type: single nucleotide variant.
Coding change: c.11115C>T on transcript NM_001035.3 (MANE Select); coding-DNA position 11115, C replaced by T.
Protein change: p.Asp3705=; no amino-acid change (aspartic acid 3705 retained).
Molecular consequence: synonymous variant.
Genome position (GRCh38, 1-based): chr1:237,742,319, C>T. VCF-style: chr1-237742319-C-T. GRCh37 (hg19) VCF-style: chr1-237905619-C-T.
Identifiers: ClinVar variation 506265 (VCV000506265.28), dbSNP rs752297019, ClinGen allele CA084738.

ClinVar aggregate classification (germline): Likely benign. Review status: criteria provided, multiple submitters, no conflicts (2 of 4 stars). 7 submissions from 7 submitters: Likely benign (7). Last evaluated 2025-11-01.

Conditions:
Catecholaminergic polymorphic ventricular tachycardia (CVPT). Also called: Catecholamine-induced polymorphic ventricular tachycardia. Identifiers: Orphanet 3286, MedGen C5574922, MONDO:0017990.
Cardiomyopathy (CMYO). Also called: Cardiomyopathies. Identifiers: Orphanet 167848, MedGen C0878544, MONDO:0004994, HP:0001638. Inheritance: Various modes of inheritance.
Cardiovascular phenotype. Identifiers: MedGen CN230736.
Catecholaminergic polymorphic ventricular tachycardia 1. Also called: VENTRICULAR TACHYCARDIA, CATECHOLAMINERGIC POLYMORPHIC, 1, WITH OR WITHOUT ATRIAL DYSFUNCTION AND/OR DILATED CARDIOMYOPATHY; VENTRICULAR TACHYCARDIA, STRESS-INDUCED POLYMORPHIC 1; RYR2-Related Catecholaminergic Polymorphic Ventricular Tachycardia. Identifiers: Orphanet 3286, MedGen C1631597, MONDO:0011484, OMIM 604772.

Allele frequency attached by ClinVar (database versions not stated): gnomAD exomes 0.00003 and 0.00011; gnomAD 0.00004; TOPMed 0.00004; ExAC 0.00011.
gnomAD v4.1: 48 of 1,558,932 alleles (0.0031%); highest among the groups gnomAD compares: Admixed American, 0.032%; no homozygotes.

Submissions (7):

CeGaT Center for Human Genetics Tuebingen
Classification: Likely benign. Last evaluated: 2025-11-01. Review status: criteria provided, single submitter. Criteria: CeGaT Center For Human Genetics Tuebingen Variant Classification Criteria Version 2. Collection method: clinical testing. Allele origin: germline. Affected: yes. Observed: 1 variant allele.
Comment: RYR2: BP4, BP7

Labcorp Genetics (formerly Invitae), Labcorp
Classification: Likely benign for Catecholaminergic polymorphic ventricular tachycardia 1. Last evaluated: 2025-07-28. Review status: criteria provided, single submitter. Criteria: Invitae Variant Classification Sherloc (09022015). Collection method: clinical testing. Allele origin: germline.

All of Us Research Program, National Institutes of Health
Classification: Likely benign for Catecholaminergic polymorphic ventricular tachycardia. Last evaluated: 2024-01-11. Review status: criteria provided, single submitter. Criteria: ACMG Guidelines, 2015. Collection method: clinical testing. Allele origin: germline. Inheritance: Autosomal dominant inheritance. Observed: 26 variant alleles, 26 heterozygotes.
Comment: This study involves interpretation of variants in research participants for the purpose of population health screening. Participant phenotype was not available at the time of variant classification. Additional details can be found in publication PMID: 35346344, PMCID: PMC8962531

Ambry Genetics
Classification: Likely benign for Cardiovascular phenotype. Last evaluated: 2024-01-08. Review status: criteria provided, single submitter. Criteria: Ambry Variant Classification Scheme 2023. Collection method: clinical testing. Allele origin: germline.

Blueprint Genetics
Classification: Likely benign. Last evaluated: 2023-11-30. Review status: criteria provided, single submitter. Criteria: ACMG Guidelines, 2015. Collection method: clinical testing. Allele origin: germline.

Color Diagnostics, LLC DBA Color Health
Classification: Likely benign for Cardiomyopathy. Last evaluated: 2018-10-08. Review status: criteria provided, single submitter. Criteria: ACMG Guidelines, 2015. Collection method: clinical testing. Allele origin: germline.

Laboratory for Molecular Medicine, Mass General Brigham Personalized Medicine
Classification: Likely benign. Last evaluated: 2018-01-19. Review status: criteria provided, single submitter. Criteria: LMM Criteria. Collection method: clinical testing. Allele origin: germline. Observed: 1 variant allele.
Comment: p.Asp3705Asp in exon 80 of RYR2: This variant is not expected to have clinical s ignificance because it does not alter an amino acid residue and is not located w ithin the splice consensus sequence. BP4, BP7